The following is an entry in ClinVar:

NM_005257.6(GATA6):c.919G>C (p.Glu307Gln)

Gene: GATA6 (GATA binding protein 6; plus strand). Cytogenetic location: 18q11.2.
Variant type: single nucleotide variant.
Coding change: c.919G>C on transcript NM_005257.6 (MANE Select); coding-DNA position 919, G replaced by C.
Protein change: p.Glu307Gln; replaces glutamic acid 307 with glutamine.
Molecular consequence: missense variant.
Genome position (GRCh38, 1-based): chr18:22,172,063, G>C. VCF-style: chr18-22172063-G-C. GRCh37 (hg19) VCF-style: chr18-19752024-G-C.
Other names: short protein forms E307Q.
Identifiers: ClinVar variation 3373636 (VCV003373636.1).
Genomic context (GRCh38, chr18:22,172,063, plus strand): 5'-AGTGGGGGCGCGGGAGGCGTGAGCGGCGGCGGCAGTAGCCTGGCGGCCATGGGCGGCCGC[G>C]AGCCCCAGTACAGCTCGCTGTCGGCCGCGCGGCCGCTGAACGGGACGTACCACCACCACC-3'
Protein context (NP_005248.2, residues 297-317): GSSLAAMGGR[Glu307Gln]PQYSSLSAAR

ClinVar aggregate classification (germline): Uncertain significance (1 of 4 stars; one submission).

gnomAD v4.1: 2 of 1,277,326 alleles (0.00016%); highest among the groups gnomAD compares: Non-Finnish European, 0.0002%; no homozygotes.

Submission:

GeneDx
Classification: Uncertain significance. Last evaluated: 2024-03-09. Review status: criteria provided, single submitter. Criteria: GeneDx Variant Classification Process June 2021. Collection method: clinical testing. Allele origin: germline. Affected: yes.
Comment: Not observed at significant frequency in large population cohorts (gnomAD); In silico analysis supports that this missense variant does not alter protein structure/function; Has not been previously published as pathogenic or benign to our knowledge